The following is an entry in ClinVar:

NM_015335.5(MED13L):c.6068-8C>T

Gene: MED13L (mediator complex subunit 13L; minus strand). Cytogenetic location: 12q24.21.
Variant type: single nucleotide variant.
Coding change: c.6068-8C>T on transcript NM_015335.5 (MANE Select); 8 bases into the intron before coding-DNA position 6068, C replaced by T.
Molecular consequence: intron variant.
Genome position (GRCh38, 1-based): chr12:115,969,105, G>A on the plus strand (C>T on the coding strand, the complement: MED13L is on the minus strand). VCF-style: chr12-115969105-G-A. GRCh37 (hg19) VCF-style: chr12-116406910-G-A.
Identifiers: ClinVar variation 241045 (VCV000241045.25), dbSNP rs61936939, ClinGen allele CA6810437.

ClinVar aggregate classification (germline): Benign/Likely benign. Review status: criteria provided, multiple submitters, no conflicts (2 of 4 stars). 4 submissions from 4 submitters: Benign (1); Likely benign (2). 1 of the submissions does not count toward it. Last evaluated 2026-01-26.

Conditions:
Dextro-looped transposition of the great arteries. Also called: Dextrotransposition of the great arteries. Identifiers: Orphanet 860, MedGen C3531771, MONDO:0019443, OMIM 608808, HP:0031348.
Intellectual disability. Also called: Intellectual functioning disability; intellectual disabilities; Intellectual developmental disorder. Identifiers: MedGen C3714756, MeSH D008607, MONDO:0001071, HP:0001249.

Allele frequency attached by ClinVar (database versions not stated): gnomAD exomes 0.01063 and 0.01412; gnomAD 0.01078 and 0.01060; ESP Exome Variant Server 0.01138; 1000 Genomes Project 0.00459; 1000 Genomes Project 30x 0.00484; TOPMed 0.01027; ExAC 0.01102.
gnomAD v4.1: 22,262 of 1,613,354 alleles (1.4%); highest among the groups gnomAD compares: Non-Finnish European, 1.6%; 219 homozygotes.

Submissions (4):

Labcorp Genetics (formerly Invitae), Labcorp
Classification: Benign for Dextro-looped transposition of the great arteries. Last evaluated: 2026-01-26. Review status: criteria provided, single submitter. Criteria: Invitae Variant Classification Sherloc (09022015). Collection method: clinical testing. Allele origin: germline.

GeneDx
Classification: Likely benign. Last evaluated: 2023-11-09. Review status: criteria provided, single submitter. Criteria: GeneDx Variant Classification Process June 2021. Collection method: clinical testing. Allele origin: germline. Affected: yes.
Comment: See Variant Classification Assertion Criteria.

Breakthrough Genomics
Classification: Likely benign. Review status: criteria provided, single submitter. Criteria: ACMG Guidelines, 2015. Collection method: not provided. Allele origin: germline. Inheritance: Autosomal dominant inheritance. Affected: yes.

Institute of Human Genetics, University of Wuerzburg
Classification: Likely benign for Intellectual disability. Review status: no assertion criteria provided. Collection method: clinical testing. Allele origin: unknown. Not counted in ClinVar's aggregate classification.